The following is an entry in ClinVar:

ClinVar aggregate classification (germline): Uncertain significance (1 of 4 stars; one submission).

Conditions:
Severe combined immunodeficiency due to IKK2 deficiency. Also called: Immunodeficiency 15; IMMUNODEFICIENCY 15B. Identifiers: Orphanet 397787, MedGen C4747743, MONDO:0014267, OMIM 615592.

Submission:

Labcorp Genetics (formerly Invitae), Labcorp
Classification: Uncertain significance for Severe combined immunodeficiency due to IKK2 deficiency. Last evaluated: 2020-12-27. Review status: criteria provided, single submitter. Criteria: Invitae Variant Classification Sherloc (09022015). Collection method: clinical testing. Allele origin: germline.
Comment: A copy number gain of the genomic region encompassing the full coding sequence of the IKBKB gene has been identified. The boundaries of this event are unknown as they extend beyond the assayed region for this gene and therefore may encompass additional genes. As the precise location of this event is unknown, it may be in tandem or it may be located elsewhere in the genome. This variant has not been reported in the literature in individuals with IKBKB-related conditions. Experimental studies and prediction algorithms are not available or were not evaluated, and the functional significance of this variant is currently unknown. In summary, the available evidence is currently insufficient to determine the role of this variant in disease. Therefore, it has been classified as a Variant of Uncertain Significance.

NC_000008.10:g.(?_42129619)_(42188497_?)dup

Gene: IKBKB (inhibitor of nuclear factor kappa B kinase subunit beta; plus strand). Cytogenetic location: 8p11.21.
Variant type: Duplication.
Identifiers: ClinVar variation 1432260 (VCV001432260.1).